The following is an entry in ClinVar:

ClinVar aggregate classification (germline): Benign/Likely benign. Review status: criteria provided, multiple submitters, no conflicts (2 of 4 stars). 2 submissions from 2 submitters: Benign (1); Likely benign (1). Last evaluated 2024-10-16.

Allele frequency attached by ClinVar (database versions not stated): TOPMed 0.00022; ESP Exome Variant Server 0.00031; gnomAD exomes 0.00123 and 0.00281; 1000 Genomes Project 30x 0.00156; 1000 Genomes Project 0.00200; ExAC 0.00226; gnomAD 0.00236 and 0.00250.
gnomAD v4.1: 2,068 of 1,550,488 alleles (0.13%); highest among the groups gnomAD compares: Middle Eastern, 0.034%; 19 homozygotes.

Submissions (2):

Labcorp Genetics (formerly Invitae), Labcorp
Classification: Benign. Last evaluated: 2024-10-16. Review status: criteria provided, single submitter. Criteria: Invitae Variant Classification Sherloc (09022015). Collection method: clinical testing. Allele origin: germline.

GeneDx
Classification: Likely benign. Last evaluated: 2017-05-01. Review status: criteria provided, single submitter. Criteria: GeneDx Variant Classification (06012015). Collection method: clinical testing. Allele origin: germline. Affected: yes.
Comment: This variant is considered likely benign or benign based on one or more of the following criteria: it is a conservative change, it occurs at a poorly conserved position in the protein, it is predicted to be benign by multiple in silico algorithms, and/or has population frequency not consistent with disease.

NM_007208.4(MRPL3):c.630-15G>A

Gene: MRPL3 (mitochondrial ribosomal protein L3; minus strand). Cytogenetic location: 3q22.1.
Variant type: single nucleotide variant.
Coding change: c.630-15G>A on transcript NM_007208.4 (MANE Select); 15 bases into the intron before coding-DNA position 630, G replaced by A.
Molecular consequence: intron variant.
Genome position (GRCh38, 1-based): chr3:131,471,294, C>T on the plus strand (G>A on the coding strand, the complement: MRPL3 is on the minus strand). VCF-style: chr3-131471294-C-T. GRCh37 (hg19) VCF-style: chr3-131190138-C-T.
Identifiers: ClinVar variation 384979 (VCV000384979.9), dbSNP rs147025268, ClinGen allele CA2616983.